The following is an entry in ClinVar:

NM_005908.4(MANBA):c.1007C>T (p.Ser336Phe)

Gene: MANBA (mannosidase beta; minus strand). Cytogenetic location: 4q24.
Variant type: single nucleotide variant.
Coding change: c.1007C>T on transcript NM_005908.4 (MANE Select); coding-DNA position 1007, C replaced by T.
Protein change: p.Ser336Phe; replaces serine 336 with phenylalanine.
Molecular consequence: missense variant.
Genome position (GRCh38, 1-based): chr4:102,674,024, G>A on the plus strand (C>T on the coding strand, the complement: MANBA is on the minus strand). VCF-style: chr4-102674024-G-A. GRCh37 (hg19) VCF-style: chr4-103595181-G-A.
Other names: short protein forms S336F.
Identifiers: ClinVar variation 4740069 (VCV004740069.2).

ClinVar aggregate classification (germline): Uncertain significance. Review status: criteria provided, multiple submitters, no conflicts (2 of 4 stars). 2 submissions from 2 submitters: Uncertain significance (2). Last evaluated 2025-04-14.

Conditions:
Beta-D-mannosidosis (MANSB). Also called: MANNOSIDOSIS, BETA A, LYSOSOMAL; BETA-MANNOSIDASE DEFICIENCY; LYSOSOMAL BETA-MANNOSIDASE DEFICIENCY; Beta-Mannosidosis. Identifiers: Orphanet 118, MedGen C4048196, MONDO:0009562, OMIM 248510.

gnomAD v4.1: 3 of 1,605,386 alleles (0.00019%); highest among the groups gnomAD compares: South Asian, 0.0022%; no homozygotes.

Submissions (2):

Labcorp Genetics (formerly Invitae), Labcorp
Classification: Uncertain significance for Beta-D-mannosidosis. Last evaluated: 2025-04-14. Review status: criteria provided, single submitter. Criteria: Invitae Variant Classification Sherloc (09022015). Collection method: clinical testing. Allele origin: germline.
Comment: This sequence change replaces serine, which is neutral and polar, with phenylalanine, which is neutral and non-polar, at codon 336 of the MANBA protein (p.Ser336Phe). This variant is not present in population databases (gnomAD no frequency). This variant has not been reported in the literature in individuals affected with MANBA-related conditions. Invitae Evidence Modeling of protein sequence and biophysical properties (such as structural, functional, and spatial information, amino acid conservation, physicochemical variation, residue mobility, and thermodynamic stability) indicates that this missense variant is expected to disrupt MANBA protein function with a positive predictive value of 80%. In summary, the available evidence is currently insufficient to determine the role of this variant in disease. Therefore, it has been classified as a Variant of Uncertain Significance.

Blueprint Genetics
Classification: Uncertain significance. Last evaluated: 2024-11-04. Review status: criteria provided, single submitter. Criteria: ACMG Guidelines, 2015. Collection method: clinical testing. Allele origin: germline.